The following is an entry in ClinVar:

NM_020975.6(RET):c.3018G>C (p.Glu1006Asp)

Gene: RET (ret proto-oncogene; plus strand). Cytogenetic location: 10q11.21.
Variant type: single nucleotide variant.
Coding change: c.3018G>C on transcript NM_020975.6 (MANE Select); coding-DNA position 3018, G replaced by C.
Protein change: p.Glu1006Asp; replaces glutamic acid 1006 with aspartic acid.
Molecular consequence: missense variant.
Genome position (GRCh38, 1-based): chr10:43,124,961, G>C. VCF-style: chr10-43124961-G-C. GRCh37 (hg19) VCF-style: chr10-43620409-G-C.
Other names: c.2121G>C, p.Glu707Asp (NM_001406780.1, NM_001406781.1, NM_001406782.1 and 1 more transcripts); c.1992G>C, p.Glu664Asp (NM_001406783.1, NM_001406786.1); c.2028G>C, p.Glu676Asp (NM_001406784.1); c.2001G>C, p.Glu667Asp (NM_001406785.1); c.1986G>C, p.Glu662Asp (NM_001406787.1); c.1833G>C, p.Glu611Asp (NM_001406788.1, NM_001406789.1, NM_001406790.1); c.1713G>C, p.Glu571Asp (NM_001406791.1); c.1569G>C, p.Glu523Asp (NM_001406792.1, NM_001406793.1, NM_001406794.1); and 10 more; short protein forms E1006D, E662D, E664D, E667D, E874D, E910D, E963D, E571D.
Identifiers: ClinVar variation 2854143 (VCV002854143.4), dbSNP rs2538627661, ClinGen allele CA376558202.

ClinVar aggregate classification (germline): Uncertain significance. Review status: criteria provided, multiple submitters, no conflicts (2 of 4 stars). 2 submissions from 2 submitters: Uncertain significance (2). Last evaluated 2025-11-17.

Conditions:
Multiple endocrine neoplasia, type 2 (MEN2). Identifiers: Orphanet 653, MedGen C4048306, MONDO:0019003. Disease mechanism: gain of function.
Hereditary cancer-predisposing syndrome. Also called: Neoplastic Syndromes, Hereditary; Hereditary neoplastic syndrome; Tumor predisposition; Hereditary Cancer Syndrome. Identifiers: Orphanet 140162, MedGen C0027672, MeSH D009386, MONDO:0015356.

Submissions (2):

Ambry Genetics
Classification: Uncertain significance for Hereditary cancer-predisposing syndrome. Last evaluated: 2025-11-17. Review status: criteria provided, single submitter. Criteria: Ambry Variant Classification Scheme 2023. Collection method: clinical testing. Allele origin: germline.
Comment: The p.E1006D variant (also known as c.3018G>C), located in coding exon 18 of the RET gene, results from a G to C substitution at nucleotide position 3018. The glutamic acid at codon 1006 is replaced by aspartic acid, an amino acid with highly similar properties. This amino acid position is highly conserved in available vertebrate species. In addition, this alteration is predicted to be tolerated by in silico analysis. Based on the available evidence, the clinical significance of this variant remains unclear.

Labcorp Genetics (formerly Invitae), Labcorp
Classification: Uncertain significance for Multiple endocrine neoplasia, type 2. Last evaluated: 2023-04-09. Review status: criteria provided, single submitter. Criteria: Invitae Variant Classification Sherloc (09022015). Collection method: clinical testing. Allele origin: germline.
Comment: In summary, the available evidence is currently insufficient to determine the role of this variant in disease. Therefore, it has been classified as a Variant of Uncertain Significance. Algorithms developed to predict the effect of missense changes on protein structure and function output the following: SIFT: "Not Available"; PolyPhen-2: "Benign"; Align-GVGD: "Not Available". The aspartic acid amino acid residue is found in multiple mammalian species, which suggests that this missense change does not adversely affect protein function. This variant has not been reported in the literature in individuals affected with RET-related conditions. This variant is not present in population databases (gnomAD no frequency). This sequence change replaces glutamic acid, which is acidic and polar, with aspartic acid, which is acidic and polar, at codon 1006 of the RET protein (p.Glu1006Asp).